The following is an entry in ClinVar:

NM_005618.4(DLL1):c.1117G>A (p.Gly373Ser)

Gene: DLL1 (delta like canonical Notch ligand 1; minus strand). Cytogenetic location: 6q27.
Variant type: single nucleotide variant.
Coding change: c.1117G>A on transcript NM_005618.4 (MANE Select); coding-DNA position 1117, G replaced by A.
Protein change: p.Gly373Ser; replaces glycine 373 with serine.
Molecular consequence: missense variant.
Genome position (GRCh38, 1-based): chr6:170,285,051, C>T on the plus strand (G>A on the coding strand, the complement: DLL1 is on the minus strand). VCF-style: chr6-170285051-C-T. GRCh37 (hg19) VCF-style: chr6-170594139-C-T.
Other names: short protein forms G373S.
Identifiers: ClinVar variation 3082905 (VCV003082905.2), dbSNP rs189402834, ClinGen allele CA4106921.
Genomic context (GRCh38, chr6:170,285,051, plus strand): 5'-AGCGGCAGCTGTACCCTCCATCGGGGCTGTCTGAGCACCGACCCCCGTTAAAGCAAGGGC[C>T]GTCCGCACAGGTCATGGCACTCAATTCACAGATTTTGCCGTAGAAGCCGGGTGGGCAGGT-3'
Protein context (NP_005609.3, residues 363-383): CELSAMTCAD[Gly373Ser]PCFNGGRCSD

ClinVar aggregate classification (germline): Conflicting classifications of pathogenicity. Review status: criteria provided, conflicting classifications (1 of 4 stars). 2 submissions from 2 submitters: Uncertain significance (1); Likely benign (1). Last evaluated 2026-01-12.

Conditions:
Inborn genetic diseases. Identifiers: MedGen C0950123, MeSH D030342.

Allele frequency attached by ClinVar (database versions not stated): gnomAD 0.00002; gnomAD exomes 0.00002; ExAC 0.00004; TOPMed 0.00004; ESP Exome Variant Server 0.00008.
gnomAD v4.1: 38 of 1,614,042 alleles (0.0024%); highest among the groups gnomAD compares: Admixed American, 0.0067%; no homozygotes.

Submissions (2):

Labcorp Genetics (formerly Invitae), Labcorp
Classification: Uncertain significance. Last evaluated: 2026-01-12. Review status: criteria provided, single submitter. Criteria: Invitae Variant Classification Sherloc (09022015). Collection method: clinical testing. Allele origin: germline.
Comment: This sequence change replaces glycine, which is neutral and non-polar, with serine, which is neutral and polar, at codon 373 of the DLL1 protein (p.Gly373Ser). This variant is present in population databases (rs189402834, gnomAD 0.008%). This variant has not been reported in the literature in individuals affected with DLL1-related conditions. ClinVar contains an entry for this variant (Variation ID: 3082905). An algorithm developed to predict the effect of missense changes on protein structure and function (PolyPhen-2) suggests that this variant is likely to be disruptive. In summary, the available evidence is currently insufficient to determine the role of this variant in disease. Therefore, it has been classified as a Variant of Uncertain Significance.

Ambry Genetics
Classification: Likely benign for Inborn genetic diseases. Last evaluated: 2024-01-23. Review status: criteria provided, single submitter. Criteria: Ambry Variant Classification Scheme 2023. Collection method: clinical testing. Allele origin: germline.